The following is an entry in ClinVar:

ClinVar aggregate classification (germline): Uncertain significance. Review status: criteria provided, multiple submitters, no conflicts (2 of 4 stars). 2 submissions from 2 submitters: Uncertain significance (2). Last evaluated 2022-04-13.

Conditions:
Cardiovascular phenotype. Identifiers: MedGen CN230736.
Catecholaminergic polymorphic ventricular tachycardia 1. Also called: RYR2-Related Catecholaminergic Polymorphic Ventricular Tachycardia; VENTRICULAR TACHYCARDIA, CATECHOLAMINERGIC POLYMORPHIC, 1, WITH OR WITHOUT ATRIAL DYSFUNCTION AND/OR DILATED CARDIOMYOPATHY; VENTRICULAR TACHYCARDIA, STRESS-INDUCED POLYMORPHIC 1. Identifiers: Orphanet 3286, MedGen C1631597, MONDO:0011484, OMIM 604772.

Allele frequency attached by ClinVar (database versions not stated): gnomAD 0.00001.
gnomAD v4.1: 1 of 1,613,752 alleles (0.000062%); no homozygotes.

Submissions (2):

Labcorp Genetics (formerly Invitae), Labcorp
Classification: Uncertain significance for Catecholaminergic polymorphic ventricular tachycardia 1. Last evaluated: 2022-04-13. Review status: criteria provided, single submitter. Criteria: Invitae Variant Classification Sherloc (09022015). Collection method: clinical testing. Allele origin: germline.
Comment: This sequence change replaces glycine, which is neutral and non-polar, with serine, which is neutral and polar, at codon 2271 of the RYR2 protein (p.Gly2271Ser). This variant is present in population databases (rs375371340, gnomAD 0.004%). This variant has not been reported in the literature in individuals affected with RYR2-related conditions. ClinVar contains an entry for this variant (Variation ID: 519220). Advanced modeling of protein sequence and biophysical properties (such as structural, functional, and spatial information, amino acid conservation, physicochemical variation, residue mobility, and thermodynamic stability) performed at Invitae indicates that this missense variant is expected to disrupt RYR2 protein function. In summary, the available evidence is currently insufficient to determine the role of this variant in disease. Therefore, it has been classified as a Variant of Uncertain Significance.

Ambry Genetics
Classification: Uncertain significance for Cardiovascular phenotype. Last evaluated: 2016-05-02. Review status: criteria provided, single submitter. Criteria: Ambry Variant Classification Scheme 2023. Collection method: clinical testing. Allele origin: germline.
Comment: The p.G2271S variant (also known as c.6811G>A), located in coding exon 45 of the RYR2 gene, results from a G to A substitution at nucleotide position 6811. The glycine at codon 2271 is replaced by serine, an amino acid with similar properties. This variant was previously reported in the SNPDatabase as rs375371340. Based on data from ExAC, the A allele has an overall frequency of approximately <0.01% (1/105561). This variant was not reported in population based cohorts in the following databases: NHLBI Exome Sequencing Project (ESP) and 1000 Genomes Project. In the ESP, this variant was not observed in 6055 samples (12110 alleles) with coverage at this position. This amino acid position is highly conserved in available vertebrate species. In addition, the in silico prediction for this alteration is inconclusive. Since supporting evidence is limited at this time, the clinical significance of this alteration remains unclear.

NM_001035.3(RYR2):c.6811G>A (p.Gly2271Ser)

Gene: RYR2 (ryanodine receptor 2; plus strand). Cytogenetic location: 1q43.
Variant type: single nucleotide variant.
Coding change: c.6811G>A on transcript NM_001035.3 (MANE Select); coding-DNA position 6811, G replaced by A.
Protein change: p.Gly2271Ser; replaces glycine 2271 with serine.
Molecular consequence: missense variant.
Genome position (GRCh38, 1-based): chr1:237,638,375, G>A. VCF-style: chr1-237638375-G-A. GRCh37 (hg19) VCF-style: chr1-237801675-G-A.
Other names: c.6811G>A, p.Gly2271Ser (LRG_402t1); short protein forms G2271S.
Identifiers: ClinVar variation 519220 (VCV000519220.9), dbSNP rs375371340, ClinGen allele CA087229.